The following is an entry in ClinVar:

ClinVar aggregate classification (germline): Conflicting classifications of pathogenicity. Review status: criteria provided, conflicting classifications (1 of 4 stars). 2 submissions from 2 submitters: Likely pathogenic (1); Uncertain significance (1). Last evaluated 2025-04-16.

Conditions:
Leukodystrophy, hypomyelinating, 8, with or without oligodontia and/or hypogonadotropic hypogonadism. Also called: Hypomyelinating leukodystrophy 8 with or without oligodontia and-or hypogonadotropic hypogonadism; LEUKODYSTROPHY, HYPOMYELINATING, 8, WITH HYPODONTIA AND HYPOGONADOTROPIC HYPOGONADISM; Endosteal sclerosis-cerebellar hypoplasia syndrome. Identifiers: Orphanet 85186, Orphanet 88637, MedGen C3280644, MONDO:0013722, OMIM 614381.

Allele frequency attached by ClinVar (database versions not stated): gnomAD 0.00001; gnomAD exomes 0.00002 and 0.00005; ExAC 0.00001; TOPMed 0.00001.
gnomAD v4.1: 80 of 1,613,748 alleles (0.005%); highest among the groups gnomAD compares: Non-Finnish European, 0.0064%; no homozygotes.

Submissions (2):

GeneDx
Classification: Likely pathogenic. Last evaluated: 2025-04-16. Review status: criteria provided, single submitter. Criteria: GeneDx Variant Classification Process June 2021. Collection method: clinical testing. Allele origin: germline. Affected: yes.
Comment: Not observed at significant frequency in large population cohorts (gnomAD); In silico analysis supports that this missense variant has a deleterious effect on protein structure/function; This variant is associated with the following publications: (PMID: 28252636)

Broad Center for Mendelian Genomics, Broad Institute of MIT and Harvard
Classification: Uncertain significance for Leukodystrophy, hypomyelinating, 8, with or without oligodontia and/or hypogonadotropic hypogonadism. Last evaluated: 2022-02-28. Review status: criteria provided, single submitter. Criteria: ACMG Guidelines, 2015. Collection method: curation. Allele origin: germline. Inheritance: Autosomal recessive inheritance.
Comment: The p.Ile1106Thr variant in POLR3B has been reported in 1 individual in the compound heterozygous state with 4H leukodystrophy (PMID: 28252636), and has been identified in 0.004% (4/113690) of European (non-Finnish) chromosomes by the Genome Aggregation Database (gnomAD; dbSNP ID: rs765382317). Although this variant has been seen in the general population in a heterozygous state, its frequency is low enough to be consistent with a recessive carrier frequency. This variant has also been reported in ClinVar (Variation ID#: 419123) and has been interpreted as likely pathogenic by GeneDx. Computational prediction tools and conservation analyses suggest that this variant may impact the protein, though this information is not predictive enough to determine pathogenicity. The number of missense variants reported in POLR3B in the general population is lower than expected, suggesting there is little benign variation in this gene and slightly increasing the possibility that a missense variant in this gene may not be tolerated. In summary, the clinical significance of the p.Ile1106Thr variant is uncertain. ACMG/AMP Criteria applied: PP3, PP2, PM2_supporting (Richards 2015).

NM_018082.6(POLR3B):c.3317T>C (p.Ile1106Thr)

Genes: POLR3B (RNA polymerase III subunit B; plus strand), RFX4-AS1 (RFX4 antisense RNA 1; minus strand). Cytogenetic location: 12q23.3.
Variant type: single nucleotide variant.
Coding change: c.3317T>C on transcript NM_018082.6 (MANE Select); coding-DNA position 3317, T replaced by C.
Protein change: p.Ile1106Thr; replaces isoleucine 1106 with threonine.
Molecular consequence: missense variant.
Genome position (GRCh38, 1-based): chr12:106,509,464, T>C. VCF-style: chr12-106509464-T-C. GRCh37 (hg19) VCF-style: chr12-106903242-T-C.
Other names: NM_018082.6(POLR3B):c.3317T>C; p.Ile1106Thr; c.3143T>C, p.Ile1048Thr (NM_001160708.2); short protein forms I1106T, I1048T.
Identifiers: ClinVar variation 419123 (VCV000419123.9), dbSNP rs765382317, ClinGen allele CA6762463.